The following is an entry in ClinVar:

ClinVar aggregate classification (germline): Uncertain significance (1 of 4 stars; one submission).

gnomAD v4.1: 8 of 1,614,168 alleles (0.0005%); highest among the groups gnomAD compares: South Asian, 0.0011%; no homozygotes.

Submission:

Labcorp Genetics (formerly Invitae), Labcorp
Classification: Uncertain significance. Last evaluated: 2023-12-07. Review status: criteria provided, single submitter. Criteria: Invitae Variant Classification Sherloc (09022015). Collection method: clinical testing. Allele origin: germline.
Comment: This sequence change replaces histidine, which is basic and polar, with asparagine, which is neutral and polar, at codon 582 of the SEMA4A protein (p.His582Asn). This variant is present in population databases (rs543276469, gnomAD 0.004%). This variant has not been reported in the literature in individuals affected with SEMA4A-related conditions. ClinVar contains an entry for this variant (Variation ID: 2117175). Advanced modeling of protein sequence and biophysical properties (such as structural, functional, and spatial information, amino acid conservation, physicochemical variation, residue mobility, and thermodynamic stability) performed at Invitae indicates that this missense variant is not expected to disrupt SEMA4A protein function with a negative predictive value of 80%. In summary, the available evidence is currently insufficient to determine the role of this variant in disease. Therefore, it has been classified as a Variant of Uncertain Significance.

NM_022367.4(SEMA4A):c.1744C>A (p.His582Asn)

Gene: SEMA4A (semaphorin 4A; plus strand). Cytogenetic location: 1q22.
Variant type: single nucleotide variant.
Coding change: c.1744C>A on transcript NM_022367.4 (MANE Select); coding-DNA position 1744, C replaced by A.
Protein change: p.His582Asn; replaces histidine 582 with asparagine.
Molecular consequence: missense variant.
Genome position (GRCh38, 1-based): chr1:156,176,455, C>A. VCF-style: chr1-156176455-C-A. GRCh37 (hg19) VCF-style: chr1-156146246-C-A.
Other names: c.1744C>A, p.His582Asn (NM_001193300.2, NM_001193301.2, NM_001370567.1); c.1348C>A, p.His450Asn (NM_001193302.2); c.1447C>A, p.His483Asn (NM_001370568.1); c.1237C>A, p.His413Asn (NM_001370569.1, NM_001370571.1); short protein forms H582N, H413N, H450N, H483N.
Identifiers: ClinVar variation 2117175 (VCV002117175.4), dbSNP rs543276469, ClinGen allele CA1155457.